The following is an entry in ClinVar:

NM_016816.4(OAS1):c.596A>T (p.Lys199Met)

Gene: OAS1 (2'-5'-oligoadenylate synthetase 1; plus strand). Cytogenetic location: 12q24.13.
Variant type: single nucleotide variant.
Coding change: c.596A>T on transcript NM_016816.4 (MANE Select); coding-DNA position 596, A replaced by T.
Protein change: p.Lys199Met; replaces lysine 199 with methionine.
Molecular consequence: missense variant. On other transcripts: non-coding transcript variant (9), intron variant (4).
Genome position (GRCh38, 1-based): chr12:112,911,177, A>T. VCF-style: chr12-112911177-A-T. GRCh37 (hg19) VCF-style: chr12-113348982-A-T.
Other names: c.596A>T, p.Lys199Met (NM_002534.4, NM_001032409.3, NM_001320151.2 and 1 more transcripts); c.180+3958A>T (NM_001406030.1, NM_001406029.1, NM_001406027.1 and 1 more transcripts); c.549A>T, p.Glu183Asp (NM_001406020.1, NM_001406021.1, NM_001406023.1 and 2 more transcripts); short protein forms E183D, K199M.
Identifiers: ClinVar variation 4765272 (VCV004765272.1).

ClinVar aggregate classification (germline): Uncertain significance (1 of 4 stars; one submission).

gnomAD v4.1: 8 of 1,613,884 alleles (0.0005%); highest among the groups gnomAD compares: Non-Finnish European, 0.00068%; no homozygotes.

Submission:

Labcorp Genetics (formerly Invitae), Labcorp
Classification: Uncertain significance. Last evaluated: 2025-09-09. Review status: criteria provided, single submitter. Criteria: Invitae Variant Classification Sherloc (09022015). Collection method: clinical testing. Allele origin: germline.
Comment: This sequence change replaces lysine, which is basic and polar, with methionine, which is neutral and non-polar, at codon 199 of the OAS1 protein (p.Lys199Met). This variant is present in population databases (rs373323762, gnomAD 0.002%). This variant has not been reported in the literature in individuals affected with OAS1-related conditions. An algorithm developed to predict the effect of missense changes on protein structure and function (PolyPhen-2) suggests that this variant is likely to be disruptive. In summary, the available evidence is currently insufficient to determine the role of this variant in disease. Therefore, it has been classified as a Variant of Uncertain Significance.